The following is an entry in ClinVar:

NM_001378615.1(CC2D2A):c.3064C>T (p.Arg1022Trp)

Genes: CC2D2A (coiled-coil and C2 domain containing 2A; plus strand), FBXL5 (F-box and leucine rich repeat protein 5; minus strand). Cytogenetic location: 4p15.32.
Variant type: single nucleotide variant.
Coding change: c.3064C>T on transcript NM_001378615.1 (MANE Select); coding-DNA position 3064, C replaced by T.
Protein change: p.Arg1022Trp; replaces arginine 1022 with tryptophan.
Molecular consequence: missense variant.
Genome position (GRCh38, 1-based): chr4:15,563,404, C>T. VCF-style: chr4-15563404-C-T. GRCh37 (hg19) VCF-style: chr4-15565027-C-T.
Other names: c.3064C>T, p.Arg1022Trp (NM_001080522.2); c.2917C>T, p.Arg973Trp (NM_001378617.1); short protein forms R973W, R1022W.
Identifiers: ClinVar variation 1370162 (VCV001370162.3), dbSNP rs751865030, ClinGen allele CA356415666.
Genomic context (GRCh38, chr4:15,563,404, plus strand): 5'-GTAATCATTAGCATTTTGGGCCTAAGCCTTTTCAAGCTGGCAGAACAAAAGCGACCACTG[C>T]GGCCAAGGAGAAAAGGTCGGAAGAAGGTGACAGCCCAAAACCTGTCTGATGGAGACATAA-3'
Protein context (NP_001365544.1, residues 1012-1032): FKLAEQKRPL[Arg1022Trp]PRRKGRKKVT

ClinVar aggregate classification (germline): Uncertain significance (1 of 4 stars; one submission).

Conditions:
Joubert syndrome. Also called: JOUBERT-BOLTSHAUSER SYNDROME; Familial aplasia of the vermis. Identifiers: Orphanet 475, MedGen C5979921, MONDO:0018772.
Meckel-Gruber syndrome. Also called: DYSENCEPHALIA SPLANCHNOCYSTICA; GRUBER SYNDROME; Dysencephalia splachnocystica. Identifiers: Orphanet 564, MedGen C0265215, MONDO:0018921.

Allele frequency attached by ClinVar (database versions not stated): TOPMed below 0.00001.
gnomAD v4.1: 4 of 1,607,864 alleles (0.00025%); highest among the groups gnomAD compares: Non-Finnish European, 0.00034%; no homozygotes.

Submission:

Labcorp Genetics (formerly Invitae), Labcorp
Classification: Uncertain significance for Joubert syndrome; Meckel-Gruber syndrome. Last evaluated: 2021-09-04. Review status: criteria provided, single submitter. Criteria: Invitae Variant Classification Sherloc (09022015). Collection method: clinical testing. Allele origin: germline.
Comment: This sequence change replaces arginine with tryptophan at codon 1022 of the CC2D2A protein (p.Arg1022Trp). The arginine residue is moderately conserved and there is a moderate physicochemical difference between arginine and tryptophan. This variant is not present in population databases (ExAC no frequency). This variant has not been reported in the literature in individuals affected with CC2D2A-related conditions. Advanced modeling of protein sequence and biophysical properties (such as structural, functional, and spatial information, amino acid conservation, physicochemical variation, residue mobility, and thermodynamic stability) performed at Invitae indicates that this missense variant is expected to disrupt CC2D2A protein function. In summary, the available evidence is currently insufficient to determine the role of this variant in disease. Therefore, it has been classified as a Variant of Uncertain Significance.